The following is an entry in ClinVar:

NM_000553.6(WRN):c.1666G>A (p.Val556Met)

Gene: WRN (WRN RecQ like helicase; plus strand). Cytogenetic location: 8p12.
Variant type: single nucleotide variant.
Coding change: c.1666G>A on transcript NM_000553.6 (MANE Select); coding-DNA position 1666, G replaced by A.
Protein change: p.Val556Met; replaces valine 556 with methionine.
Molecular consequence: missense variant.
Genome position (GRCh38, 1-based): chr8:31,090,478, G>A. VCF-style: chr8-31090478-G-A. GRCh37 (hg19) VCF-style: chr8-30947994-G-A.
Other names: short protein forms V556M.
Identifiers: ClinVar variation 2919946 (VCV002919946.3), dbSNP rs1175679301, ClinGen allele CA370926837.

ClinVar aggregate classification (germline): Uncertain significance (1 of 4 stars; one submission).

Conditions:
Werner syndrome (WRN). Identifiers: Orphanet 902, MedGen C0043119, MONDO:0010196, OMIM 277700.

Allele frequency attached by ClinVar (database versions not stated): TOPMed below 0.00001.

Submission:

Labcorp Genetics (formerly Invitae), Labcorp
Classification: Uncertain significance for Werner syndrome. Last evaluated: 2024-02-02. Review status: criteria provided, single submitter. Criteria: Invitae Variant Classification Sherloc (09022015). Collection method: clinical testing. Allele origin: germline.
Comment: This sequence change replaces valine, which is neutral and non-polar, with methionine, which is neutral and non-polar, at codon 556 of the WRN protein (p.Val556Met). This variant is not present in population databases (gnomAD no frequency). This variant has not been reported in the literature in individuals affected with WRN-related conditions. An algorithm developed to predict the effect of missense changes on protein structure and function (PolyPhen-2) suggests that this variant is likely to be disruptive. In summary, the available evidence is currently insufficient to determine the role of this variant in disease. Therefore, it has been classified as a Variant of Uncertain Significance.